The following is an entry in ClinVar:

ClinVar aggregate classification (germline): Uncertain significance (1 of 4 stars; one submission).

Conditions:
Autoimmune interstitial lung disease-arthritis syndrome. Also called: Autoinflammation and autoimmunity, systemic, with immune dysregulation. Identifiers: Orphanet 444092, MedGen C5975714, MONDO:0014629.

Submission:

Labcorp Genetics (formerly Invitae), Labcorp
Classification: Uncertain significance for Autoimmune interstitial lung disease-arthritis syndrome. Last evaluated: 2025-02-20. Review status: criteria provided, single submitter. Criteria: Invitae Variant Classification Sherloc (09022015). Collection method: clinical testing. Allele origin: germline.
Comment: This sequence change replaces serine, which is neutral and polar, with threonine, which is neutral and polar, at codon 1146 of the COPA protein (p.Ser1146Thr). This variant is not present in population databases (gnomAD no frequency). This variant has not been reported in the literature in individuals affected with COPA-related conditions. Invitae Evidence Modeling of protein sequence and biophysical properties (such as structural, functional, and spatial information, amino acid conservation, physicochemical variation, residue mobility, and thermodynamic stability) indicates that this missense variant is not expected to disrupt COPA protein function with a negative predictive value of 80%. In summary, the available evidence is currently insufficient to determine the role of this variant in disease. Therefore, it has been classified as a Variant of Uncertain Significance.

NM_004371.4(COPA):c.3436T>A (p.Ser1146Thr)

Gene: COPA (coat protein complex I subunit alpha; minus strand). Cytogenetic location: 1q23.2.
Variant type: single nucleotide variant.
Coding change: c.3436T>A on transcript NM_004371.4 (MANE Select); coding-DNA position 3436, T replaced by A.
Protein change: p.Ser1146Thr; replaces serine 1146 with threonine.
Molecular consequence: missense variant.
Genome position (GRCh38, 1-based): chr1:160,290,671, A>T on the plus strand (T>A on the coding strand, the complement: COPA is on the minus strand). VCF-style: chr1-160290671-A-T. GRCh37 (hg19) VCF-style: chr1-160260461-A-T.
Other names: c.3463T>A, p.Ser1155Thr (NM_001098398.2); short protein forms S1146T, S1155T.
Identifiers: ClinVar variation 4742395 (VCV004742395.1).